The following is an entry in ClinVar:

ClinVar aggregate classification (germline): Benign. Review status: criteria provided, multiple submitters, no conflicts (2 of 4 stars). 3 submissions from 3 submitters: Benign (2). 1 of the submissions does not count toward it. Last evaluated 2019-08-20.

Conditions:
SPEN-related disorder. Also called: SPEN-related condition.

Allele frequency attached by ClinVar (database versions not stated): ESP Exome Variant Server 0.08089; gnomAD 0.10374 and 0.10587; TOPMed 0.11002; 1000 Genomes Project 30x 0.12071; 1000 Genomes Project 0.12081; ExAC 0.13089; gnomAD exomes 0.14091.
gnomAD v4.1: 179,903 of 1,614,082 alleles (11%); highest among the groups gnomAD compares: Admixed American, 29%; 12,350 homozygotes.

Submissions (3):

GeneDx
Classification: Benign. Last evaluated: 2019-08-20. Review status: criteria provided, single submitter. Criteria: GeneDx Variant Classification Process June 2021. Collection method: clinical testing. Allele origin: germline. Affected: yes.

Breakthrough Genomics
Classification: Benign. Review status: criteria provided, single submitter. Criteria: ACMG Guidelines, 2015. Collection method: not provided. Allele origin: germline. Inheritance: Autosomal dominant inheritance. Affected: yes.

PreventionGenetics, part of Exact Sciences
Classification: Benign for SPEN-related condition. Last evaluated: 2024-02-27. Review status: no assertion criteria provided. Collection method: clinical testing. Allele origin: germline. Not counted in ClinVar's aggregate classification.
Comment: This variant is classified as benign based on ACMG/AMP sequence variant interpretation guidelines (Richards et al. 2015 PMID: 25741868, with internal and published modifications).

NM_015001.3(SPEN):c.2909C>T (p.Ala970Val)

Gene: SPEN (spen family transcriptional repressor; plus strand). Cytogenetic location: 1p36.13.
Variant type: single nucleotide variant.
Coding change: c.2909C>T on transcript NM_015001.3 (MANE Select); coding-DNA position 2909, C replaced by T.
Protein change: p.Ala970Val; replaces alanine 970 with valine.
Molecular consequence: missense variant.
Genome position (GRCh38, 1-based): chr1:15,929,149, C>T. VCF-style: chr1-15929149-C-T. GRCh37 (hg19) VCF-style: chr1-16255644-C-T.
Other names: short protein forms A970V.
Identifiers: ClinVar variation 1233038 (VCV001233038.6), dbSNP rs848208, ClinGen allele CA619359.
Genomic context (GRCh38, chr1:15,929,149, plus strand): 5'-AAGTGGTGGAGAAGGAAGGCAGGCTTAAAGCCAGGAAGCACCTCAAGCCTGAGCAGCCTG[C>T]AGATGGGGTAAGTGCTGTGGATCTGGAGAAGCTGGAAGCCAGGAAAAGGCGCTTTGCAGA-3'
Protein context (NP_055816.2, residues 960-980): ARKHLKPEQP[Ala970Val]DGVSAVDLEK